The following is an entry in ClinVar:

ClinVar aggregate classification (germline): Pathogenic. Review status: criteria provided, multiple submitters, no conflicts (2 of 4 stars). 2 submissions from 2 submitters: Pathogenic (2). Last evaluated 2025-07-16.

Conditions:
Familial cancer of breast. Also called: BREAST CANCER, FAMILIAL; Hereditary breast cancer; hereditary breast carcinoma. Identifiers: Orphanet 227535, MedGen C0346153, MONDO:0016419, OMIM 114480. Disease mechanism: loss of function.
Hereditary cancer-predisposing syndrome. Also called: Tumor predisposition; Hereditary neoplastic syndrome; Hereditary Cancer Syndrome; Neoplastic Syndromes, Hereditary. Identifiers: Orphanet 140162, MedGen C0027672, MeSH D009386, MONDO:0015356.

Submissions (2):

Ambry Genetics
Classification: Pathogenic for Hereditary cancer-predisposing syndrome. Last evaluated: 2025-07-16. Review status: criteria provided, single submitter. Criteria: Ambry Variant Classification Scheme 2023. Collection method: clinical testing. Allele origin: germline.
Comment: The p.S356* pathogenic mutation (also known as c.1067C>G), located in coding exon 9 of the CHEK2 gene, results from a C to G substitution at nucleotide position 1067. This changes the amino acid from a serine to a stop codon within coding exon 9. This variant is considered to be rare based on population cohorts in the Genome Aggregation Database (gnomAD). This alteration is expected to result in loss of function by premature protein truncation or nonsense-mediated mRNA decay. As such, this alteration is interpreted as a disease-causing mutation.

Labcorp Genetics (formerly Invitae), Labcorp
Classification: Pathogenic for Familial cancer of breast. Last evaluated: 2022-08-09. Review status: criteria provided, single submitter. Criteria: Invitae Variant Classification Sherloc (09022015). Collection method: clinical testing. Allele origin: germline.
Comment: This sequence change creates a premature translational stop signal (p.Ser356*) in the CHEK2 gene. It is expected to result in an absent or disrupted protein product. Loss-of-function variants in CHEK2 are known to be pathogenic (PMID: 21876083, 24713400). This variant is not present in population databases (gnomAD no frequency). This premature translational stop signal has been observed in individual(s) with breast cancer (PMID: 28724667). ClinVar contains an entry for this variant (Variation ID: 937071). For these reasons, this variant has been classified as Pathogenic.

Literature cited by the submitters: PubMed 21876083 (cited by Labcorp Genetics (formerly Invitae), Labcorp); PubMed 24713400 (cited by Labcorp Genetics (formerly Invitae), Labcorp); PubMed 28724667 (cited by Labcorp Genetics (formerly Invitae), Labcorp).

NM_007194.4(CHEK2):c.1067C>G (p.Ser356Ter)

Gene: CHEK2 (checkpoint kinase 2; minus strand). Cytogenetic location: 22q12.1.
Variant type: single nucleotide variant.
Coding change: c.1067C>G on transcript NM_007194.4 (MANE Select); coding-DNA position 1067, C replaced by G.
Protein change: p.Ser356Ter; replaces serine 356 with a stop codon.
Molecular consequence: nonsense. On other transcripts: intron variant (3).
Genome position (GRCh38, 1-based): chr22:28,696,929, G>C on the plus strand (C>G on the coding strand, the complement: CHEK2 is on the minus strand). VCF-style: chr22-28696929-G-C. GRCh37 (hg19) VCF-style: chr22-29092917-G-C.
Other names: c.1196C>G, p.Ser399Ter (NM_001005735.3); c.404C>G, p.Ser135Ter (NM_001257387.3, NM_001437942.1); c.866C>G, p.Ser289Ter (NM_001349956.3); c.1160C>G, p.Ser387Ter (NM_001438293.1); c.1009-1056C>G (NM_145862.3); c.1102-1056C>G (NM_001438295.1); c.1138-1056C>G (NM_001438294.1); short protein forms S399*, S289*, S356*, S135*, S387*.
Identifiers: ClinVar variation 937071 (VCV000937071.9), dbSNP rs121908703, ClinGen allele CA411097576.